The following is an entry in ClinVar:

ClinVar aggregate classification (germline): Pathogenic (1 of 4 stars; one submission).

Conditions:
Charcot-Marie-Tooth disease, type I (CMT1). Also called: Charcot-Marie-Tooth, Type 1; Charcot-Marie-Tooth disease type 1. Identifiers: Orphanet 65753, MedGen C0751036, MONDO:0019011.

Submission:

Labcorp Genetics (formerly Invitae), Labcorp
Classification: Pathogenic for Charcot-Marie-Tooth disease, type I. Last evaluated: 2021-11-08. Review status: criteria provided, single submitter. Criteria: Invitae Variant Classification Sherloc (09022015). Collection method: clinical testing. Allele origin: germline.
Comment: This variant results in a copy number gain of the genomic region encompassing exon(s) 2-5 of the PMP22 gene. While the exact position of this variant cannot be determined from the data, sub-genic copy number gains are generally in tandem (PMID: 25640679). This variant is predicted to be in-frame, and likely preserves the integrity of the reading frame. A similar copy number variant has been observed in individual(s) with Charcot-Marie-Tooth disease (PMID: 1677316, 1822787). It has also been observed to segregate with disease in related individuals. For these reasons, this variant has been classified as Pathogenic.

Literature cited by the submitters: PubMed 25640679; PubMed 1677316; PubMed 1822787.

NC_000017.10:g.(?_15133097)_(15164054_?)dup

Gene: PMP22 (peripheral myelin protein 22; minus strand). Cytogenetic location: 17p12.
Variant type: Duplication.
Identifiers: ClinVar variation 1459615 (VCV001459615.1).